The following is an entry in ClinVar:

ClinVar aggregate classification (germline): Uncertain significance (1 of 4 stars; one submission).

Conditions:
Spinocerebellar ataxia type 14 (SCA14). Identifiers: Orphanet 98763, MedGen C1854369, MONDO:0011540, OMIM 605361.

Submission:

Human Genetics Bochum, Ruhr University Bochum
Classification: Uncertain significance for Spinocerebellar ataxia type 14. Last evaluated: 2026-05-08. Review status: criteria provided, single submitter. Criteria: ACMG Guidelines, 2015. Collection method: clinical testing. Allele origin: germline. Affected: yes.
Comment: ACMG criteria used to clasify this variant: PM2_SUP, PP2, PP3

NM_002739.5(PRKCG):c.71_72delinsTT (p.Ala24Val)

Gene: PRKCG (protein kinase C gamma; plus strand). Cytogenetic location: 19q13.42.
Variant type: Indel.
Coding change: c.71_72delinsTT on transcript NM_002739.5 (MANE Select); coding-DNA positions 71 to 72, CC replaced by TT.
Protein change: p.Ala24Val; replaces alanine 24 with valine.
Molecular consequence: missense variant.
Genome position (GRCh38, 1-based): chr19:53,882,565-53,882,566, CC replaced by TT. VCF-style: chr19-53882565-CC-TT. GRCh37 (hg19) VCF-style: chr19-54385819-CC-TT.
Other names: c.71_72delinsTT, p.Ala24Val (NM_001316329.2); short protein forms A24V.
Identifiers: ClinVar variation 4876770 (VCV004876770.1).